The following is an entry in ClinVar:

NM_014712.3(SETD1A):c.4692+3G>A

Gene: SETD1A (SET domain containing 1A, histone lysine methyltransferase; plus strand). Cytogenetic location: 16p11.2.
Variant type: single nucleotide variant.
Coding change: c.4692+3G>A on transcript NM_014712.3 (MANE Select); 3 bases into the intron after coding-DNA position 4692, G replaced by A.
Molecular consequence: intron variant.
Genome position (GRCh38, 1-based): chr16:30,980,852, G>A. VCF-style: chr16-30980852-G-A. GRCh37 (hg19) VCF-style: chr16-30992173-G-A.
Identifiers: ClinVar variation 1429346 (VCV001429346.7), dbSNP rs936223791, ClinGen allele CA280554675.

ClinVar aggregate classification (germline): Uncertain significance. Review status: criteria provided, multiple submitters, no conflicts (2 of 4 stars). 2 submissions from 2 submitters: Uncertain significance (2). Last evaluated 2024-09-25.

Allele frequency attached by ClinVar (database versions not stated): gnomAD exomes below 0.00001; gnomAD 0.00003 and 0.00004; TOPMed 0.00006.
gnomAD v4.1: 8 of 1,589,726 alleles (0.0005%); highest among the groups gnomAD compares: Admixed American, 0.012%; no homozygotes.

Submissions (2):

Revvity Omics, Revvity
Classification: Uncertain significance. Last evaluated: 2024-09-25. Review status: criteria provided, single submitter. Criteria: ACMG Guidelines, 2015. Collection method: clinical testing. Allele origin: germline.

Labcorp Genetics (formerly Invitae), Labcorp
Classification: Uncertain significance. Last evaluated: 2021-03-30. Review status: criteria provided, single submitter. Criteria: Invitae Variant Classification Sherloc (09022015). Collection method: clinical testing. Allele origin: germline.
Comment: This sequence change falls in intron 16 of the SETD1A gene. It does not directly change the encoded amino acid sequence of the SETD1A protein. It affects a nucleotide within the consensus splice site of the intron. This variant is not present in population databases (ExAC no frequency). This variant has not been reported in the literature in individuals with SETD1A-related conditions. Nucleotide substitutions within the consensus splice site are a relatively common cause of aberrant splicing (PMID: 17576681, 9536098). Algorithms developed to predict the effect of sequence changes on RNA splicing suggest that this variant is not likely to affect RNA splicing, but this prediction has not been confirmed by published transcriptional studies. In summary, the available evidence is currently insufficient to determine the role of this variant in disease. Therefore, it has been classified as a Variant of Uncertain Significance.

Literature cited by the submitters: PubMed 17576681 (cited by Labcorp Genetics (formerly Invitae), Labcorp); PubMed 9536098 (cited by Labcorp Genetics (formerly Invitae), Labcorp).